The following is an entry in ClinVar:

NM_006118.4(HAX1):c.105_110dup (p.Glu39_Glu40dup)

Gene: HAX1 (HCLS1 associated protein X-1; plus strand). Cytogenetic location: 1q21.3.
Variant type: Duplication.
Coding change: c.105_110dup on transcript NM_006118.4 (MANE Select); coding-DNA positions 105 to 110, 6 bases duplicated (GGAAGA; older notation c.105_110dupGGAAGA).
Protein change: p.Glu39_Glu40dup.
Molecular consequence: inframe insertion. On other transcripts: intron variant (1).
Genome position (GRCh38, 1-based): chr1:154,273,387-154,273,392, GGAAGA duplicated; duplicating any 6 consecutive bases within chr1:154,273,385-154,273,392 gives the same sequence; the c. name uses the placement nearest the transcript's 3' end. VCF-style (leftmost placement, unchanged base first): chr1-154273384-T-TGAGGAA. GRCh37 (hg19) VCF-style: chr1-154245860-T-TGAGGAA.
Other names: c.105_110dupGGAAGA (NM_006118.3); c.54-93_54-88dup (NM_001018837.2).
Identifiers: ClinVar variation 642986 (VCV000642986.10), dbSNP rs755700193, ClinGen allele CA1127251.
Genomic context (GRCh38, chr1:154,273,384, plus strand): 5'-CTCCACTCTCAGCCACAGAGATCCCTTTTTTGGAGGGATGACTCGAGATGAAGATGATGA[T>TGAGGAA]GAGGAAGAAGAAGAAGAAGGGGGCTCATGGGGCCGTGGGAACCCAAGGTTCCATAGTCCT-3'

ClinVar aggregate classification (germline): Uncertain significance. Review status: criteria provided, single submitter (1 of 4 stars). 2 submissions from 2 submitters: Uncertain significance (1). 1 of the submissions does not count toward it. Last evaluated 2024-02-17.

Conditions:
Kostmann syndrome (SCN3). Also called: Autosomal recessive severe congenital neutropenia type 3; KOSTMANN DISEASE. Identifiers: Orphanet 99749, MedGen C5235141, MONDO:0012548, OMIM 610738.

Submissions (2):

Labcorp Genetics (formerly Invitae), Labcorp
Classification: Uncertain significance for Kostmann syndrome. Last evaluated: 2024-02-17. Review status: criteria provided, single submitter. Criteria: Invitae Variant Classification Sherloc (09022015). Collection method: clinical testing. Allele origin: germline.
Comment: This variant, c.105_110dup, results in the insertion of 2 amino acid(s) of the HAX1 protein (p.Glu39_Glu40dup), but otherwise preserves the integrity of the reading frame. This variant is present in population databases (rs755700193, gnomAD 0.0009%). This variant has not been reported in the literature in individuals affected with HAX1-related conditions. ClinVar contains an entry for this variant (Variation ID: 642986). Experimental studies and prediction algorithms are not available or were not evaluated, and the functional significance of this variant is currently unknown. In summary, the available evidence is currently insufficient to determine the role of this variant in disease. Therefore, it has been classified as a Variant of Uncertain Significance.

Natera, Inc.
Classification: Uncertain significance for Autosomal recessive severe congenital neutropenia type 3. Last evaluated: 2020-09-16. Review status: no assertion criteria provided. Collection method: clinical testing. Allele origin: germline. Not counted in ClinVar's aggregate classification.